The following is an entry in ClinVar:

ClinVar aggregate classification (germline): Likely benign (1 of 4 stars; one submission).

Submission:

CeGaT Center for Human Genetics Tuebingen
Classification: Likely benign. Last evaluated: 2026-05-01. Review status: criteria provided, single submitter. Criteria: CeGaT Center For Human Genetics Tuebingen Variant Classification Criteria Version 2. Collection method: clinical testing. Allele origin: germline. Affected: yes. Observed: 3 variant alleles.
Comment: DPF2: BP4, BP7, BS1

NM_006268.5(DPF2):c.637+407G>A

Gene: DPF2 (double PHD fingers 2; plus strand). Cytogenetic location: 11q13.1.
Variant type: single nucleotide variant.
Coding change: c.637+407G>A on transcript NM_006268.5 (MANE Select); 407 bases into the intron after coding-DNA position 637, G replaced by A.
Molecular consequence: intron variant.
Genome position (GRCh38, 1-based): chr11:65,344,476, G>A. VCF-style: chr11-65344476-G-A. GRCh37 (hg19) VCF-style: chr11-65111947-G-A.
Other names: c.638-104G>A (NM_001330308.2).
Identifiers: ClinVar variation 4534511 (VCV004534511.6).